The following is an entry in ClinVar:

ClinVar aggregate classification (germline): Uncertain significance. Review status: criteria provided, multiple submitters, no conflicts (2 of 4 stars). 3 submissions from 3 submitters: Uncertain significance (3). Last evaluated 2025-05-26.

Conditions:
Inborn genetic diseases. Identifiers: MedGen C0950123, MeSH D030342.

Allele frequency attached by ClinVar (database versions not stated): ExAC 0.00004; TOPMed 0.00009; gnomAD 0.00008.

Submissions (3):

Mayo Clinic Laboratories, Mayo Clinic
Classification: Uncertain significance. Last evaluated: 2025-05-26. Review status: criteria provided, single submitter. Criteria: ACMG Guidelines, 2015. Collection method: clinical testing. Allele origin: germline. Observed: 1 variant allele.
Comment: BP4_moderate, PP2

Athena Diagnostics
Classification: Uncertain significance. Last evaluated: 2024-09-18. Review status: criteria provided, single submitter. Criteria: Athena Diagnostics Criteria. Collection method: clinical testing. Allele origin: unknown.
Comment: Available data are insufficient to determine the clinical significance of the variant at this time. The frequency of this variant in the general population is uninformative in assessment of its pathogenicity. Polyphen and MutationTaster predict this amino acid change may be benign.

Ambry Genetics
Classification: Uncertain significance for Inborn genetic diseases. Last evaluated: 2021-07-13. Review status: criteria provided, single submitter. Criteria: Ambry Variant Classification Scheme 2023. Collection method: clinical testing. Allele origin: germline.

NM_001278064.2(GRM1):c.272C>T (p.Ala91Val)

Gene: GRM1 (glutamate metabotropic receptor 1; plus strand). Cytogenetic location: 6q24.3.
Variant type: single nucleotide variant.
Coding change: c.272C>T on transcript NM_001278064.2 (MANE Select); coding-DNA position 272, C replaced by T.
Protein change: p.Ala91Val; replaces alanine 91 with valine.
Molecular consequence: missense variant.
Genome position (GRCh38, 1-based): chr6:146,029,789, C>T. VCF-style: chr6-146029789-C-T. GRCh37 (hg19) VCF-style: chr6-146350925-C-T.
Other names: NM_000838.3:c.272C>T; p.Ala91Val; c.272C>T (NM_001278064.1); c.272C>T, p.Ala91Val (NM_001278065.2, NM_001278066.1, NM_001278067.1); short protein forms A91V.
Identifiers: ClinVar variation 2363786 (VCV002363786.4), dbSNP rs762000484, ClinGen allele CA4037027.